The following is an entry in ClinVar:

NM_001042492.3(NF1):c.5276C>A (p.Ser1759Tyr)

Gene: NF1 (neurofibromin 1; plus strand). Cytogenetic location: 17q11.2.
Variant type: single nucleotide variant.
Coding change: c.5276C>A on transcript NM_001042492.3 (MANE Select); coding-DNA position 5276, C replaced by A.
Protein change: p.Ser1759Tyr; replaces serine 1759 with tyrosine.
Molecular consequence: missense variant.
Genome position (GRCh38, 1-based): chr17:31,327,506, C>A. VCF-style: chr17-31327506-C-A. GRCh37 (hg19) VCF-style: chr17-29654524-C-A.
Other names: c.5213C>A, p.Ser1738Tyr (NM_000267.4); short protein forms S1759Y, S1738Y.
Identifiers: ClinVar variation 2452273 (VCV002452273.2), dbSNP rs2151540787, ClinGen allele CA399008897.

ClinVar aggregate classification (germline): Uncertain significance (1 of 4 stars; one submission).

Conditions:
Hereditary cancer-predisposing syndrome. Also called: Neoplastic Syndromes, Hereditary; Tumor predisposition; Hereditary neoplastic syndrome; Hereditary Cancer Syndrome. Identifiers: Orphanet 140162, MedGen C0027672, MeSH D009386, MONDO:0015356.
Cardiovascular phenotype. Identifiers: MedGen CN230736.

Submission:

Ambry Genetics
Classification: Uncertain significance for Cardiovascular phenotype; Hereditary cancer-predisposing syndrome. Last evaluated: 2023-01-12. Review status: criteria provided, single submitter. Criteria: Ambry Variant Classification Scheme 2023. Collection method: clinical testing. Allele origin: germline.
Comment: The p.S1738Y variant (also known as c.5213C>A), located in coding exon 37 of the NF1 gene, results from a C to A substitution at nucleotide position 5213. The serine at codon 1738 is replaced by tyrosine, an amino acid with dissimilar properties. This amino acid position is conserved. In addition, this alteration is predicted to be deleterious by in silico analysis. Since supporting evidence is limited at this time, the clinical significance of this alteration remains unclear.